The following is an entry in ClinVar:

NM_000330.4(RS1):c.35T>G (p.Leu12Arg)

Gene: RS1 (retinoschisin 1; minus strand). Cytogenetic location: Xp22.13.
Variant type: single nucleotide variant.
Coding change: c.35T>G on transcript NM_000330.4 (MANE Select); coding-DNA position 35, T replaced by G.
Protein change: p.Leu12Arg; replaces leucine 12 with arginine.
Molecular consequence: missense variant.
Genome position (GRCh38, 1-based): chrX:18,672,034, A>C on the plus strand (T>G on the coding strand, the complement: RS1 is on the minus strand). VCF-style: chrX-18672034-A-C. GRCh37 (hg19) VCF-style: chrX-18690154-A-C.
Other names: NM_000330.4(RS1):c.35T>G; p.Leu12Arg; short protein forms L12R.
Identifiers: ClinVar variation 2122675 (VCV002122675.5), dbSNP rs62645879, ClinGen allele CA412379060.

ClinVar aggregate classification (germline): Uncertain significance. Review status: reviewed by expert panel (3 of 4 stars). 2 submissions from 2 submitters: Uncertain significance (1). 1 of the submissions does not count toward it. Last evaluated 2025-09-23.

Conditions:
Juvenile retinoschisis (RS1). Also called: X-linked retinoschisis; X-Linked Juvenile Retinoschisis. Identifiers: Orphanet 792, MedGen C3714753, MONDO:0010725, OMIM 312700.

Submissions (2):

ClinGen X-linked Inherited Retinal Disease Variant Curation Expert Panel, ClinGen
Classification: Uncertain significance for Juvenile retinoschisis. Last evaluated: 2025-09-23. Review status: reviewed by expert panel. Criteria: ClinGen X LinkedIRD ACMG Specifications RS1 V1.0.0. Collection method: curation. Allele origin: germline. Inheritance: X-linked inheritance.
Comment: NM_000330.4(RS1):c.35T>G (p.Leu12Arg) is a missense variant encoding the substitution of leucine with arginine at amino acid 12. This variant is absent from hemizygous individuals in gnomAD v4.1.0 (PM2_Supporting). The computational predictor REVEL gives a score of 0.645, which is within the ClinGen X-linked IRD VCEP range between 0.772 to 0.644 and predicts a damaging effect on RS1 function (PP3). The computational splicing predictor SpliceAI gives a delta score of 0.00 for all predictive splice changes, which is below the ClinGen X-linked IRD VCEP threshold of >0.2 and does not predict that the variant disrupts RS1 splicing. In summary, this variant is classified as a variant of uncertain significance for X-linked retinoschisis based on the ClinGen X-linked Inherited Retinal Disease Expert Panel Specifications to the ACMG/AMP Variant Interpretation Guidelines for RS1 Version 1.0.0: PM2_Supporting and PP3.

Labcorp Genetics (formerly Invitae), Labcorp
Classification: Uncertain significance. Last evaluated: 2022-04-07. Review status: criteria provided, single submitter. Criteria: Invitae Variant Classification Sherloc (09022015). Collection method: clinical testing. Allele origin: germline. Not counted in ClinVar's aggregate classification.
Comment: This variant is not present in population databases (gnomAD no frequency). This sequence change replaces leucine, which is neutral and non-polar, with arginine, which is basic and polar, at codon 12 of the RS1 protein (p.Leu12Arg). This variant has not been reported in the literature in individuals affected with RS1-related conditions. In summary, the available evidence is currently insufficient to determine the role of this variant in disease. Therefore, it has been classified as a Variant of Uncertain Significance. Advanced modeling of protein sequence and biophysical properties (such as structural, functional, and spatial information, amino acid conservation, physicochemical variation, residue mobility, and thermodynamic stability) performed at Invitae indicates that this missense variant is expected to disrupt RS1 protein function.